The following is an entry in ClinVar:

ClinVar aggregate classification (germline): Uncertain significance (1 of 4 stars; one submission).

Conditions:
Kleefstra syndrome 1 (KLEFS1). Identifiers: Orphanet 261494, MedGen C0795833, MONDO:0027407, OMIM 610253.

gnomAD v4.1: 7 of 958,026 alleles (0.00073%); highest among the groups gnomAD compares: Non-Finnish European, 0.00087%; no homozygotes.

Submission:

Labcorp Genetics (formerly Invitae), Labcorp
Classification: Uncertain significance for Kleefstra syndrome 1. Last evaluated: 2024-12-08. Review status: criteria provided, single submitter. Criteria: Invitae Variant Classification Sherloc (09022015). Collection method: clinical testing. Allele origin: germline.
Comment: This sequence change replaces alanine, which is neutral and non-polar, with threonine, which is neutral and polar, at codon 6 of the EHMT1 protein (p.Ala6Thr). This variant is present in population databases (no rsID available, gnomAD 0.007%). This variant has not been reported in the literature in individuals affected with EHMT1-related conditions. An algorithm developed to predict the effect of missense changes on protein structure and function (PolyPhen-2) suggests that this variant is likely to be tolerated. In summary, the available evidence is currently insufficient to determine the role of this variant in disease. Therefore, it has been classified as a Variant of Uncertain Significance.

NM_024757.5(EHMT1):c.16G>A (p.Ala6Thr)

Genes: EHMT1 (euchromatic histone lysine methyltransferase 1; plus strand), LOC130003135 (ATAC-STARR-seq lymphoblastoid silent region 20636; plus strand). Cytogenetic location: 9q34.3.
Variant type: single nucleotide variant.
Coding change: c.16G>A on transcript NM_024757.5 (MANE Select); coding-DNA position 16, G replaced by A.
Protein change: p.Ala6Thr; replaces alanine 6 with threonine.
Molecular consequence: missense variant. On other transcripts: 5 prime UTR variant (2).
Genome position (GRCh38, 1-based): chr9:137,619,044, G>A. VCF-style: chr9-137619044-G-A. GRCh37 (hg19) VCF-style: chr9-140513496-G-A.
Other names: c.16G>A, p.Ala6Thr (NM_001145527.2, NM_001354263.2, NM_001354611.2); c.-14G>A (NM_001354259.2, NM_001354612.2); short protein forms A6T.
Identifiers: ClinVar variation 3675987 (VCV003675987.2).